The following is an entry in ClinVar:

NM_004360.5(CDH1):c.2537G>T (p.Ser846Ile)

Gene: CDH1 (cadherin 1; plus strand). Cytogenetic location: 16q22.1.
Variant type: single nucleotide variant.
Coding change: c.2537G>T on transcript NM_004360.5 (MANE Select); coding-DNA position 2537, G replaced by T.
Protein change: p.Ser846Ile; replaces serine 846 with isoleucine.
Molecular consequence: missense variant.
Genome position (GRCh38, 1-based): chr16:68,833,387, G>T. VCF-style: chr16-68833387-G-T. GRCh37 (hg19) VCF-style: chr16-68867290-G-T.
Other names: c.2354G>T, p.Ser785Ile (NM_001317184.2); c.989G>T, p.Ser330Ile (NM_001317185.2); c.572G>T, p.Ser191Ile (NM_001317186.2); short protein forms S191I, S785I, S330I, S846I.
Identifiers: ClinVar variation 4632697 (VCV004632697.1).
Genomic context (GRCh38, chr16:68,833,387, plus strand): 5'-CTTATGATTCTCTGCTCGTGTTTGACTATGAAGGAAGCGGTTCCGAAGCTGCTAGTCTGA[G>T]CTCCCTGAACTCCTCAGAGTCAGACAAAGACCAGGACTATGACTACTTGAACGAATGGGG-3'
Protein context (NP_004351.1, residues 836-856): EGSGSEAASL[Ser846Ile]SLNSSESDKD

ClinVar aggregate classification (germline): Uncertain significance (1 of 4 stars; one submission).

Conditions:
Hereditary cancer-predisposing syndrome. Also called: Neoplastic Syndromes, Hereditary; Tumor predisposition; Hereditary Cancer Syndrome; Hereditary neoplastic syndrome. Identifiers: Orphanet 140162, MedGen C0027672, MeSH D009386, MONDO:0015356.

Submission:

Ambry Genetics
Classification: Uncertain significance for Hereditary cancer-predisposing syndrome. Last evaluated: 2025-11-07. Review status: criteria provided, single submitter. Criteria: Ambry Variant Classification Scheme 2023. Collection method: clinical testing. Allele origin: germline.
Comment: The p.S846I variant (also known as c.2537G>T), located in coding exon 16 of the CDH1 gene, results from a G to T substitution at nucleotide position 2537. The serine at codon 846 is replaced by isoleucine, an amino acid with dissimilar properties. This amino acid position is conserved. In addition, this alteration is predicted to be deleterious by in silico analysis. Based on the available evidence, the clinical significance of this variant remains unclear.